The following is an entry in ClinVar:

ClinVar aggregate classification (germline): Uncertain significance. Review status: criteria provided, multiple submitters, no conflicts (2 of 4 stars). 2 submissions from 2 submitters: Uncertain significance (2). Last evaluated 2022-08-26.

Conditions:
Primary ciliary dyskinesia. Also called: Ciliary dyskinesia. Identifiers: Orphanet 244, MedGen C0008780, MONDO:0016575, HP:0012265.

Allele frequency attached by ClinVar (database versions not stated): gnomAD exomes 0.00001; TOPMed 0.00001.
gnomAD v4.1: 6 of 1,244,648 alleles (0.00048%); highest among the groups gnomAD compares: Non-Finnish European, 0.0006%; no homozygotes.

Submissions (2):

Ambry Genetics
Classification: Uncertain significance for Primary ciliary dyskinesia. Last evaluated: 2022-08-26. Review status: criteria provided, single submitter. Criteria: Ambry Variant Classification Scheme 2023. Collection method: clinical testing. Allele origin: germline.

Labcorp Genetics (formerly Invitae), Labcorp
Classification: Uncertain significance for Primary ciliary dyskinesia. Last evaluated: 2022-07-24. Review status: criteria provided, single submitter. Criteria: Invitae Variant Classification Sherloc (09022015). Collection method: clinical testing. Allele origin: germline.
Comment: In summary, the available evidence is currently insufficient to determine the role of this variant in disease. Therefore, it has been classified as a Variant of Uncertain Significance. Algorithms developed to predict the effect of missense changes on protein structure and function are either unavailable or do not agree on the potential impact of this missense change (SIFT: "Tolerated"; PolyPhen-2: "Not Available"; Align-GVGD: "Class C0"). This variant has not been reported in the literature in individuals affected with DNAAF5-related conditions. This variant is not present in population databases (gnomAD no frequency). This sequence change replaces glutamic acid, which is acidic and polar, with alanine, which is neutral and non-polar, at codon 8 of the DNAAF5 protein (p.Glu8Ala).

NM_017802.4(DNAAF5):c.23A>C (p.Glu8Ala)

Genes: PRKAR1B (protein kinase cAMP-dependent type I regulatory subunit beta; minus strand), DNAAF5 (dynein axonemal assembly factor 5; plus strand). Cytogenetic location: 7p22.3.
Variant type: single nucleotide variant.
Coding change: c.23A>C on transcript NM_017802.4 (MANE Select); coding-DNA position 23, A replaced by C.
Protein change: p.Glu8Ala; replaces glutamic acid 8 with alanine.
Molecular consequence: missense variant. On other transcripts: non-coding transcript variant (1), intron variant (3).
Genome position (GRCh38, 1-based): chr7:726,743, A>C. VCF-style: chr7-726743-A-C. GRCh37 (hg19) VCF-style: chr7-766380-A-C.
Other names: c.-23+912T>G (NM_001164759.1); c.-23+847T>G (NM_001164758.2); c.-23+467T>G (NM_001164760.2); short protein forms E8A.
Identifiers: ClinVar variation 1790696 (VCV001790696.7), dbSNP rs1562368980, ClinGen allele CA366529592.